The following is an entry in ClinVar:

NM_032609.3(COX4I2):c.328T>G (p.Phe110Val)

Gene: COX4I2 (cytochrome c oxidase subunit 4I2; plus strand). Cytogenetic location: 20q11.21.
Variant type: single nucleotide variant.
Coding change: c.328T>G on transcript NM_032609.3 (MANE Select); coding-DNA position 328, T replaced by G.
Protein change: p.Phe110Val; replaces phenylalanine 110 with valine.
Molecular consequence: missense variant.
Genome position (GRCh38, 1-based): chr20:31,643,484, T>G. VCF-style: chr20-31643484-T-G. GRCh37 (hg19) VCF-style: chr20-30231287-T-G.
Other names: c.328T>G (NM_032609.2); short protein forms F110V.
Identifiers: ClinVar variation 2743864 (VCV002743864.4), dbSNP rs762283502, ClinGen allele CA9801940.

ClinVar aggregate classification (germline): Uncertain significance. Review status: criteria provided, multiple submitters, no conflicts (2 of 4 stars). 2 submissions from 2 submitters: Uncertain significance (2). Last evaluated 2025-06-26.

Allele frequency attached by ClinVar (database versions not stated): TOPMed 0.00013; ExAC 0.00003; gnomAD exomes 0.00005; gnomAD 0.00012.
gnomAD v4.1: 91 of 1,613,784 alleles (0.0056%); highest among the groups gnomAD compares: Admixed American, 0.035%; no homozygotes.

Submissions (2):

Labcorp Genetics (formerly Invitae), Labcorp
Classification: Uncertain significance. Last evaluated: 2025-06-26. Review status: criteria provided, single submitter. Criteria: Invitae Variant Classification Sherloc (09022015). Collection method: clinical testing. Allele origin: germline.
Comment: This sequence change replaces phenylalanine, which is neutral and non-polar, with valine, which is neutral and non-polar, at codon 110 of the COX4I2 protein (p.Phe110Val). This variant is present in population databases (rs762283502, gnomAD 0.03%). This variant has not been reported in the literature in individuals affected with COX4I2-related conditions. ClinVar contains an entry for this variant (Variation ID: 2743864). An algorithm developed to predict the effect of missense changes on protein structure and function (PolyPhen-2) suggests that this variant is likely to be disruptive. In summary, the available evidence is currently insufficient to determine the role of this variant in disease. Therefore, it has been classified as a Variant of Uncertain Significance.

Ambry Genetics
Classification: Uncertain significance. Last evaluated: 2025-04-06. Review status: criteria provided, single submitter. Criteria: Ambry Variant Classification Scheme 2023. Collection method: clinical testing. Allele origin: germline.